The following is an entry in ClinVar:

NM_001267550.2(TTN):c.84964C>T (p.Arg28322Cys)

Genes: TTN (titin; minus strand), TTN-AS1 (TTN antisense RNA 1; plus strand). Cytogenetic location: 2q31.2.
Variant type: single nucleotide variant.
Coding change: c.84964C>T on transcript NM_001267550.2 (MANE Select); coding-DNA position 84964, C replaced by T.
Protein change: p.Arg28322Cys; replaces arginine 28322 with cysteine.
Molecular consequence: missense variant.
Genome position (GRCh38, 1-based): chr2:178,561,168, G>A on the plus strand (C>T on the coding strand, the complement: TTN is on the minus strand). VCF-style: chr2-178561168-G-A. GRCh37 (hg19) VCF-style: chr2-179425895-G-A.
Other names: p.R26681C:CGT>TGT; c.80041C>T, p.Arg26681Cys (NM_001256850.1); c.57769C>T, p.Arg19257Cys (NM_003319.4); c.77260C>T, p.Arg25754Cys (NM_133378.4); c.58144C>T, p.Arg19382Cys (NM_133432.3); c.58345C>T, p.Arg19449Cys (NM_133437.4); short protein forms R26681C, R28322C, R19257C, R19382C, R19449C, R25754C.
Identifiers: ClinVar variation 202926 (VCV000202926.8), dbSNP rs774978209, ClinGen allele CA310710.

ClinVar aggregate classification (germline): Conflicting classifications of pathogenicity. Review status: criteria provided, conflicting classifications (1 of 4 stars). 4 submissions from 4 submitters: Uncertain significance (3); Likely benign (1). Last evaluated 2025-06-24.

Conditions:
TTN-related disorder. Also called: TTN-related condition; TTN-related disease; TTN-related disorders.
Dilated cardiomyopathy 1G (CMD1G). Identifiers: Orphanet 154, MedGen C1858763, MONDO:0011400, OMIM 604145.
Autosomal recessive limb-girdle muscular dystrophy type 2J (LGMDR10). Also called: Limb-girdle muscular dystrophy, type 2J; MUSCULAR DYSTROPHY, LIMB-GIRDLE, AUTOSOMAL RECESSIVE 10. Identifiers: Orphanet 140922, MedGen C1837342, MONDO:0012127, OMIM 608807.

Allele frequency attached by ClinVar (database versions not stated): ExAC 0.00002; gnomAD exomes 0.00002 and 0.00003; gnomAD 0.00004 and 0.00005; TOPMed 0.00006.
gnomAD v4.1: 44 of 1,613,450 alleles (0.0027%); highest among the groups gnomAD compares: African/African-American, 0.008%; no homozygotes.

Submissions (4):

PreventionGenetics, part of Exact Sciences
Classification: Uncertain significance for TTN-related condition. Last evaluated: 2025-06-24. Review status: criteria provided, single submitter. Criteria: ACMG Guidelines, 2015. Collection method: clinical testing. Allele origin: germline.
Comment: The TTN c.84964C>T variant is predicted to result in the amino acid substitution p.Arg28322Cys. To our knowledge, this variant has not been reported in the literature. This variant is reported in 0.013% of alleles in individuals of South Asian descent in gnomAD. At this time, the clinical significance of this variant is uncertain due to the absence of conclusive functional and genetic evidence.

Revvity Omics, Revvity
Classification: Uncertain significance. Last evaluated: 2020-03-31. Review status: criteria provided, single submitter. Criteria: ACMG Guidelines, 2015. Collection method: clinical testing. Allele origin: germline.

GeneDx
Classification: Likely benign. Last evaluated: 2019-08-02. Review status: criteria provided, single submitter. Criteria: GeneDx Variant Classification Process June 2021. Collection method: clinical testing. Allele origin: germline. Affected: yes.

Labcorp Genetics (formerly Invitae), Labcorp
Classification: Uncertain significance for Dilated cardiomyopathy 1G; Autosomal recessive limb-girdle muscular dystrophy type 2J. Last evaluated: 2016-03-27. Review status: criteria provided, single submitter. Criteria: Invitae Variant Classification Sherloc (09022015). Collection method: clinical testing. Allele origin: germline.